The following is an entry in ClinVar:

NM_024105.4(ALG12):c.522G>A (p.Trp174Ter)

Gene: ALG12 (ALG12 alpha-1,6-mannosyltransferase; minus strand). Cytogenetic location: 22q13.33.
Variant type: single nucleotide variant.
Coding change: c.522G>A on transcript NM_024105.4 (MANE Select); coding-DNA position 522, G replaced by A.
Protein change: p.Trp174Ter; replaces tryptophan 174 with a stop codon.
Molecular consequence: nonsense.
Genome position (GRCh38, 1-based): chr22:49,910,036, C>T on the plus strand (G>A on the coding strand, the complement: ALG12 is on the minus strand). VCF-style: chr22-49910036-C-T. GRCh37 (hg19) VCF-style: chr22-50303684-C-T.
Other names: short protein forms W174*.
Identifiers: ClinVar variation 1383200 (VCV001383200.6), dbSNP rs2146607840, ClinGen allele CA412075506.
Genomic context (GRCh38, chr22:49,910,036, plus strand): 5'-CAGGAGGCCCAGGAACAGGCACAGCTCCACCCTGAACACGATGATGGCGAAGGCTGACAG[C>T]CAGATGAAGCGGGCCCACTCGTGCCGCAGCCAGGCCGCGAGGGCCAGCAGGACTGCAAGA-3'

ClinVar aggregate classification (germline): Pathogenic (1 of 4 stars; one submission).

Conditions:
ALG12-congenital disorder of glycosylation (CDG1G). Also called: ALG12-CDG; CDG Ig; Congenital disorder of glycosylation, type Ig. Identifiers: Orphanet 79324, MedGen C2931001, MONDO:0011783, OMIM 607143.

Submission:

Labcorp Genetics (formerly Invitae), Labcorp
Classification: Pathogenic for ALG12-congenital disorder of glycosylation. Last evaluated: 2023-11-27. Review status: criteria provided, single submitter. Criteria: Invitae Variant Classification Sherloc (09022015). Collection method: clinical testing. Allele origin: germline.
Comment: This sequence change creates a premature translational stop signal (p.Trp174*) in the ALG12 gene. It is expected to result in an absent or disrupted protein product. Loss-of-function variants in ALG12 are known to be pathogenic (PMID: 15639192, 31481313). This variant is not present in population databases (gnomAD no frequency). This variant has not been reported in the literature in individuals affected with ALG12-related conditions. ClinVar contains an entry for this variant (Variation ID: 1383200). For these reasons, this variant has been classified as Pathogenic.

Literature cited by the submitters: PubMed 15639192; PubMed 31481313.